The following is an entry in ClinVar:

ClinVar aggregate classification (germline): Uncertain significance (1 of 4 stars; one submission).

Conditions:
SEMA3E-related disorder. Also called: SEMA3E-related condition.

gnomAD v4.1: 2 of 1,608,908 alleles (0.00012%); highest among the groups gnomAD compares: Middle Eastern, 0.017%; no homozygotes.

Submission:

PreventionGenetics, part of Exact Sciences
Classification: Uncertain significance for SEMA3E-related condition. Last evaluated: 2026-09-21. Review status: criteria provided, single submitter. Criteria: ACMG Guidelines, 2015. Collection method: clinical testing. Allele origin: germline.
Comment: The SEMA3E c.1418C>T variant is predicted to result in the amino acid substitution p.Ser473Leu. To our knowledge, this variant has not been reported in the literature. This variant is reported in 0.0033% of alleles in individuals of South Asian descent in gnomAD. At this time, the clinical significance of this variant is uncertain due to the absence of conclusive functional and genetic evidence.

NM_012431.3(SEMA3E):c.1418C>T (p.Ser473Leu)

Gene: SEMA3E (semaphorin 3E; minus strand). Cytogenetic location: 7q21.11.
Variant type: single nucleotide variant.
Coding change: c.1418C>T on transcript NM_012431.3 (MANE Select); coding-DNA position 1418, C replaced by T.
Protein change: p.Ser473Leu; replaces serine 473 with leucine.
Molecular consequence: missense variant.
Genome position (GRCh38, 1-based): chr7:83,396,678, G>A on the plus strand (C>T on the coding strand, the complement: SEMA3E is on the minus strand). VCF-style: chr7-83396678-G-A. GRCh37 (hg19) VCF-style: chr7-83025994-G-A.
Other names: c.1238C>T, p.Ser413Leu (NM_001178129.2); short protein forms S413L, S473L.
Identifiers: ClinVar variation 4982656 (VCV004982656.1).